The following is an entry in ClinVar:

ClinVar aggregate classification (germline): Pathogenic (1 of 4 stars; one submission).

Conditions:
Neurofibromatosis, type 1 (NF1). Also called: VON RECKLINGHAUSEN DISEASE; NEUROFIBROMATOSIS, TYPE I, SOMATIC; Peripheral type neurofibromatosis; Neurofibromatosis, type I. Identifiers: Orphanet 636, MedGen C0027831, MONDO:0018975, OMIM 162200. Disease mechanism: loss of function.

Submission:

Labcorp Genetics (formerly Invitae), Labcorp
Classification: Pathogenic for Neurofibromatosis, type 1. Last evaluated: 2019-07-20. Review status: criteria provided, single submitter. Criteria: Invitae Variant Classification Sherloc (09022015). Collection method: clinical testing. Allele origin: germline.
Comment: This sequence change creates a premature translational stop signal (p.Val346Phefs*30) in the NF1 gene. It is expected to result in an absent or disrupted protein product. This variant is not present in population databases (ExAC no frequency). This variant has not been reported in the literature in individuals with NF1-related conditions. Loss-of-function variants in NF1 are known to be pathogenic (PMID: 10712197, 23913538). For these reasons, this variant has been classified as Pathogenic.

Literature cited by the submitters: PubMed 10712197; PubMed 23913538.

NM_001042492.3(NF1):c.1036del (p.Val346fs)

Gene: NF1 (neurofibromin 1; plus strand). Cytogenetic location: 17q11.2.
Variant type: Deletion.
Coding change: c.1036del on transcript NM_001042492.3 (MANE Select); coding-DNA position 1036, one base deleted (G; older notation c.1036delG).
Protein change: p.Val346fs; shifts the reading frame from valine 346.
Molecular consequence: frameshift variant.
Genome position (GRCh38, 1-based): chr17:31,200,569, G deleted. VCF-style (leftmost placement, unchanged base first): chr17-31200568-TG-T. GRCh37 (hg19) VCF-style: chr17-29527586-TG-T.
Other names: c.1036delG, p.Val346Phefs (NM_000267.4); c.1036del, p.Val346fs (NM_001128147.3); short protein forms V346fs.
Identifiers: ClinVar variation 950709 (VCV000950709.6), dbSNP rs2066509487, ClinGen allele CA1139665314.
Genomic context (GRCh38, chr17:31,200,568, plus strand): 5'-CAAACTGTGTAAAGCAAGTACTTACATCAATTGGGAAGATAACTCTGTCATTTTCCTACT[TG>T]TTCAGTCCATGGTGGTTGATCTTAAGGTAACATGCTTATTCTTTCTCTACTACAAACTTT-3'